The following is an entry in ClinVar:

NM_001162498.3(LPAR6):c.188A>T (p.Asp63Val)

Genes: LPAR6 (lysophosphatidic acid receptor 6; minus strand), RB1 (RB transcriptional corepressor 1; plus strand). Cytogenetic location: 13q14.2.
Variant type: single nucleotide variant.
Coding change: c.188A>T on transcript NM_001162498.3 (MANE Select); coding-DNA position 188, A replaced by T.
Protein change: p.Asp63Val; replaces aspartic acid 63 with valine.
Molecular consequence: missense variant. On other transcripts: intron variant (2).
Genome position (GRCh38, 1-based): chr13:48,412,236, T>A on the plus strand (A>T on the coding strand, the complement: LPAR6 is on the minus strand). VCF-style: chr13-48412236-T-A. GRCh37 (hg19) VCF-style: chr13-48986372-T-A.
Other names: c.188A>T, p.Asp63Val (NM_001162497.3, NM_001377316.2, NM_001377317.2 and 1 more transcripts); c.1695+30793T>A (NM_001407165.1, NM_000321.3); short protein forms D63V.
Identifiers: ClinVar variation 217499 (VCV000217499.3), dbSNP rs879255262, ClinGen allele CA10575805.

ClinVar aggregate classification (germline): Likely pathogenic. Review status: criteria provided, single submitter (1 of 4 stars). 2 submissions from 2 submitters: Likely pathogenic (1). 1 of the submissions does not count toward it.

Conditions:
Hypotrichosis 8 (HYPT8). Also called: HYPOTRICHOSIS, LOCALIZED, AUTOSOMAL RECESSIVE 3. Identifiers: Orphanet 55654, MedGen C3279470, MONDO:0010206, OMIM 278150.

gnomAD v4.1: 2 of 1,614,048 alleles (0.00012%); highest among the groups gnomAD compares: South Asian, 0.0022%; no homozygotes.

Submissions (2):

SIB Swiss Institute of Bioinformatics
Classification: Likely pathogenic for Hypotrichosis 8. Review status: criteria provided, single submitter. Criteria: ACMG Guidelines, 2015. Collection method: curation. Allele origin: unknown.
Comment: This variant is interpreted as likely pathogenic for Woolly hair autosomal recessive 1 with or without hypotrichosis. The following ACMG Tag(s) were applied: Absent from controls (or at extremely low frequency if recessive) in Exome Sequencing Project, 1000 Genomes Project, or Exome Aggregation Consortium (PM2); Cosegregation with disease in multiple affected family members in a gene definitively known to cause the disease (PP1); For recessive disorders, detected in trans with a pathogenic variant (PM3); Multiple lines of computational evidence support a deleterious effect on the gene or gene product (PP3); Well-established functional studies show a deleterious effect (PS3 downgraded to supporting)

Department of Medical Genetics, Oslo University Hospital
Classification: Pathogenic for Hypotrichosis 8. Last evaluated: 2015-10-27. Review status: no assertion criteria provided. Collection method: research. Allele origin: germline. Inheritance: Autosomal recessive inheritance. Affected: yes. Observed: 1 homozygote. Segregation with disease observed. Not counted in ClinVar's aggregate classification.

Literature cited by the submitters: PubMed 18461368 (cited by SIB Swiss Institute of Bioinformatics); PubMed 18297072 (cited by SIB Swiss Institute of Bioinformatics); PubMed 19292720 (cited by SIB Swiss Institute of Bioinformatics); PubMed 21426374 (cited by SIB Swiss Institute of Bioinformatics); PubMed 28425126 (cited by SIB Swiss Institute of Bioinformatics); PubMed 36173926 (cited by SIB Swiss Institute of Bioinformatics).